The following is an entry in ClinVar:

NM_000455.5(STK11):c.531C>T (p.Ile177=)

Gene: STK11 (serine/threonine kinase 11; plus strand). Cytogenetic location: 19p13.3.
Variant type: single nucleotide variant.
Coding change: c.531C>T on transcript NM_000455.5 (MANE Select); coding-DNA position 531, C replaced by T.
Protein change: p.Ile177=; no amino-acid change (isoleucine 177 retained).
Molecular consequence: synonymous variant.
Genome position (GRCh38, 1-based): chr19:1,220,439, C>T. VCF-style: chr19-1220439-C-T. GRCh37 (hg19) VCF-style: chr19-1220438-C-T.
Identifiers: ClinVar variation 458051 (VCV000458051.11), dbSNP rs1264449076, ClinGen allele CA504892315.

ClinVar aggregate classification (germline): Benign/Likely benign. Review status: criteria provided, multiple submitters, no conflicts (2 of 4 stars). 3 submissions from 3 submitters: Benign (1); Likely benign (2). Last evaluated 2025-03-26.

Conditions:
Peutz-Jeghers syndrome (PJS). Also called: POLYPOSIS, HAMARTOMATOUS INTESTINAL; POLYPS-AND-SPOTS SYNDROME; Peutz-Jeghers polyposis; Periorificial lentiginosis syndrome. Identifiers: Orphanet 2869, MedGen C0031269, MeSH D010580, MONDO:0008280, OMIM 175200.
Hereditary cancer-predisposing syndrome. Also called: Hereditary Cancer Syndrome; Hereditary neoplastic syndrome; Tumor predisposition; Neoplastic Syndromes, Hereditary. Identifiers: Orphanet 140162, MedGen C0027672, MeSH D009386, MONDO:0015356.

Allele frequency attached by ClinVar (database versions not stated): TOPMed below 0.00001.

Submissions (3):

Myriad Genetics, Inc.
Classification: Benign for Peutz-Jeghers syndrome. Last evaluated: 2025-03-26. Review status: criteria provided, single submitter. Criteria: Myriad Autosomal Dominant, Autosomal Recessive and X-Linked Classification Criteria (2023). Collection method: clinical testing. Allele origin: unknown.
Comment: This variant is considered benign. This variant is a silent/synonymous amino acid change and it is not expected to impact splicing.

Labcorp Genetics (formerly Invitae), Labcorp
Classification: Likely benign for Peutz-Jeghers syndrome. Last evaluated: 2023-12-27. Review status: criteria provided, single submitter. Criteria: Invitae Variant Classification Sherloc (09022015). Collection method: clinical testing. Allele origin: germline.

Ambry Genetics
Classification: Likely benign for Hereditary cancer-predisposing syndrome. Last evaluated: 2023-01-18. Review status: criteria provided, single submitter. Criteria: Ambry Variant Classification Scheme 2023. Collection method: clinical testing. Allele origin: germline.